The following is an entry in ClinVar:

ClinVar aggregate classification (germline): Uncertain significance (1 of 4 stars; one submission).

Conditions:
Combined immunodeficiency due to ORAI1 deficiency. Also called: IMMUNODEFICIENCY 9. Identifiers: Orphanet 169090, Orphanet 317428, MedGen C2748568, MONDO:0013007, OMIM 612782.
Myopathy, tubular aggregate, 2 (TAM2). Identifiers: MedGen C4014557, MONDO:0014383, OMIM 615883.

Submission:

Labcorp Genetics (formerly Invitae), Labcorp
Classification: Uncertain significance for Myopathy, tubular aggregate, 2; Combined immunodeficiency due to ORAI1 deficiency. Last evaluated: 2021-09-17. Review status: criteria provided, single submitter. Criteria: Invitae Variant Classification Sherloc (09022015). Collection method: clinical testing. Allele origin: germline.
Comment: In summary, the available evidence is currently insufficient to determine the role of this variant in disease. Therefore, it has been classified as a Variant of Uncertain Significance. This variant has not been reported in the literature in individuals with ORAI1-related disease. This variant is not present in population databases (ExAC no frequency). This sequence change results in a premature translational stop signal in the ORAI1 gene (p.Leu282*). While this is not anticipated to result in nonsense mediated decay, it is expected to disrupt the last 20 amino acids of the ORAI1 protein.

NC_000012.12:g.121641582T>A

Gene: ORAI1 (ORAI calcium release-activated calcium modulator 1; plus strand). Cytogenetic location: 12q24.31.
Variant type: single nucleotide variant.
Genome position: GRCh38 VCF-style: chr12-121641582-T-A. GRCh37 (hg19) VCF-style: chr12-122079488-T-A.
Other names: c.845T>A, p.Leu282Ter (NM_032790.4); short protein forms L282*.
Identifiers: ClinVar variation 565877 (VCV000565877.7), dbSNP rs1566472954, ClinGen allele CA386984720.